The following is an entry in ClinVar:

ClinVar aggregate classification (germline): Conflicting classifications of pathogenicity. Review status: criteria provided, conflicting classifications (1 of 4 stars). 2 submissions from 2 submitters: Uncertain significance (1); Likely benign (1). Last evaluated 2026-05-15.

Conditions:
Renal cell carcinoma. Identifiers: Orphanet 217071, MedGen C0007134, MeSH D002292, MONDO:0005086, HP:0005584.
Hereditary cancer-predisposing syndrome. Also called: Neoplastic Syndromes, Hereditary; Tumor predisposition; Hereditary Cancer Syndrome; Hereditary neoplastic syndrome. Identifiers: Orphanet 140162, MedGen C0027672, MeSH D009386, MONDO:0015356.

Submissions (2):

Ambry Genetics
Classification: Likely benign for Hereditary cancer-predisposing syndrome. Last evaluated: 2026-05-15. Review status: criteria provided, single submitter. Criteria: Ambry Variant Classification Scheme 2023. Collection method: clinical testing. Allele origin: germline.

Labcorp Genetics (formerly Invitae), Labcorp
Classification: Uncertain significance for Renal cell carcinoma. Last evaluated: 2024-09-27. Review status: criteria provided, single submitter. Criteria: Invitae Variant Classification Sherloc (09022015). Collection method: clinical testing. Allele origin: germline.
Comment: This sequence change replaces glutamine, which is neutral and polar, with histidine, which is basic and polar, at codon 42 of the MET protein (p.Gln42His). This variant is not present in population databases (gnomAD no frequency). This variant has not been reported in the literature in individuals affected with MET-related conditions. ClinVar contains an entry for this variant (Variation ID: 1765126). Invitae Evidence Modeling of protein sequence and biophysical properties (such as structural, functional, and spatial information, amino acid conservation, physicochemical variation, residue mobility, and thermodynamic stability) indicates that this missense variant is not expected to disrupt MET protein function with a negative predictive value of 80%. In summary, the available evidence is currently insufficient to determine the role of this variant in disease. Therefore, it has been classified as a Variant of Uncertain Significance.

NM_000245.4(MET):c.126G>C (p.Gln42His)

Gene: MET (MET proto-oncogene, receptor tyrosine kinase; plus strand). Cytogenetic location: 7q31.2.
Variant type: single nucleotide variant.
Coding change: c.126G>C on transcript NM_000245.4 (MANE Select); coding-DNA position 126, G replaced by C.
Protein change: p.Gln42His; replaces glutamine 42 with histidine.
Molecular consequence: missense variant. On other transcripts: intron variant (1).
Genome position (GRCh38, 1-based): chr7:116,699,210, G>C. VCF-style: chr7-116699210-G-C. GRCh37 (hg19) VCF-style: chr7-116339264-G-C.
Other names: c.126G>C, p.Gln42His (NM_001127500.3, NM_001324401.3); c.-91+26633G>C (NM_001324402.2); short protein forms Q42H.
Identifiers: ClinVar variation 1765126 (VCV001765126.6), dbSNP rs1167851500, ClinGen allele CA368968400.